The following is an entry in ClinVar:

NM_000188.3(HK1):c.1227G>A (p.Thr409=)

Gene: HK1 (hexokinase 1; plus strand). Cytogenetic location: 10q22.1.
Variant type: single nucleotide variant.
Coding change: c.1227G>A on transcript NM_000188.3 (MANE Select); coding-DNA position 1227, G replaced by A.
Protein change: p.Thr409=; no amino-acid change (threonine 409 retained).
Molecular consequence: synonymous variant.
Genome position (GRCh38, 1-based): chr10:69,380,057, G>A. VCF-style: chr10-69380057-G-A. GRCh37 (hg19) VCF-style: chr10-71139813-G-A.
Other names: c.1239G>A, p.Thr413= (NM_001322364.2, NM_001358263.1, NM_033497.3 and 1 more transcripts); c.1332G>A, p.Thr444= (NM_001322365.2); c.1143G>A, p.Thr381= (NM_001322366.1); c.1131G>A, p.Thr377= (NM_001322367.1); c.1224G>A, p.Thr408= (NM_033496.3); c.1191G>A, p.Thr397= (NM_033500.2).
Identifiers: ClinVar variation 1088253 (VCV001088253.32), dbSNP rs367932087, ClinGen allele CA5532536.
Genomic context (GRCh38, chr10:69,380,057, plus strand): 5'-ACTGGGCGCCATCTTGAACCGCCTGCGTGATAACAAGGGCACACCCAGGCTGCGGACCAC[G>A]GTTGGTGTCGACGGATCTCTTTACAAGACGCACCCACAGTGAGTCTGCCCTTTGCTATCA-3'
Protein context (NP_000179.2, residues 399-419): DNKGTPRLRT[Thr409=]VGVDGSLYKT

ClinVar aggregate classification (germline): Likely benign. Review status: criteria provided, multiple submitters, no conflicts (2 of 4 stars). 2 submissions from 2 submitters: Likely benign (2). Last evaluated 2026-02-01.

Allele frequency attached by ClinVar (database versions not stated): TOPMed 0.00001; ExAC 0.00002; gnomAD 0.00002 and 0.00003; gnomAD exomes 0.00003 and 0.00004; ESP Exome Variant Server 0.00008.
gnomAD v4.1: 59 of 1,613,970 alleles (0.0037%); highest among the groups gnomAD compares: Middle Eastern, 0.082%; 1 homozygote.

Submissions (2):

Labcorp Genetics (formerly Invitae), Labcorp
Classification: Likely benign. Last evaluated: 2026-02-01. Review status: criteria provided, single submitter. Criteria: Invitae Variant Classification Sherloc (09022015). Collection method: clinical testing. Allele origin: germline.

CeGaT Center for Human Genetics Tuebingen
Classification: Likely benign. Last evaluated: 2023-02-01. Review status: criteria provided, single submitter. Criteria: CeGaT Center For Human Genetics Tuebingen Variant Classification Criteria Version 2. Collection method: clinical testing. Allele origin: germline. Affected: yes. Observed: 1 variant allele.
Comment: HK1: BP4, BP7